The following is an entry in ClinVar:

NM_016507.4(CDK12):c.482A>C (p.Tyr161Ser)

Genes: CDK12 (cyclin dependent kinase 12; plus strand), LOC126862553 (CDK7 strongly-dependent group 2 enhancer GRCh37_chr17:37618166-37619365; plus strand). Cytogenetic location: 17q12.
Variant type: single nucleotide variant.
Coding change: c.482A>C on transcript NM_016507.4 (MANE Select); coding-DNA position 482, A replaced by C.
Protein change: p.Tyr161Ser; replaces tyrosine 161 with serine.
Molecular consequence: missense variant.
Genome position (GRCh38, 1-based): chr17:39,462,553, A>C. VCF-style: chr17-39462553-A-C. GRCh37 (hg19) VCF-style: chr17-37618806-A-C.
Other names: c.482A>C, p.Tyr161Ser (NM_015083.4); short protein forms Y161S.
Identifiers: ClinVar variation 3830593 (VCV003830593.1).
Genomic context (GRCh38, chr17:39,462,553, plus strand): 5'-GATCGATGAAGGACCGGATATCGGGAAGTTCAAAGCGTTCGAATGAGGAGACTGATGACT[A>C]TGGGAAGGCGCAGGTAGCCAAAAGCAGCAGCAAGGAATCCAGGTCATCCAAGCTCCACAA-3'
Protein context (NP_057591.2, residues 151-171): SKRSNEETDD[Tyr161Ser]GKAQVAKSSS

ClinVar aggregate classification (germline): Uncertain significance (1 of 4 stars; one submission).

Submission:

Ambry Genetics
Classification: Uncertain significance. Last evaluated: 2025-02-02. Review status: criteria provided, single submitter. Criteria: Ambry Variant Classification Scheme 2023. Collection method: clinical testing. Allele origin: germline.
Comment: The p.Y161S variant (also known as c.482A>C), located in coding exon 1 of the CDK12 gene, results from an A to C substitution at nucleotide position 482. The tyrosine at codon 161 is replaced by serine, an amino acid with dissimilar properties. This amino acid position is conserved. In addition, this alteration is predicted to be tolerated by in silico analysis. Based on the available evidence, the clinical significance of this variant remains unclear.